The following is an entry in ClinVar:

NM_004655.4(AXIN2):c.1763C>T (p.Pro588Leu)

Gene: AXIN2 (axin 2; minus strand). Cytogenetic location: 17q24.1.
Variant type: single nucleotide variant.
Coding change: c.1763C>T on transcript NM_004655.4 (MANE Select); coding-DNA position 1763, C replaced by T.
Protein change: p.Pro588Leu; replaces proline 588 with leucine.
Molecular consequence: missense variant. On other transcripts: intron variant (1).
Genome position (GRCh38, 1-based): chr17:65,537,013, G>A on the plus strand (C>T on the coding strand, the complement: AXIN2 is on the minus strand). VCF-style: chr17-65537013-G-A. GRCh37 (hg19) VCF-style: chr17-63533131-G-A.
Other names: c.1712+311C>T (NM_001363813.1); short protein forms P588L.
Identifiers: ClinVar variation 861396 (VCV000861396.13), dbSNP rs1305562386, ClinGen allele CA400676664.
Genomic context (GRCh38, chr17:65,537,013, plus strand): 5'-AGCTGCAGGGCCCCAGCTCCGCCGGGGGCCCCTCCTTCCCTGGCGGGCAGGGCCAGGCCC[G>A]GCTCCGTGCCTTTCCCATTGCGTTTGGGCAAGGTACTGCCTCTGCTGCCGCTGTGGGGAA-3'
Protein context (NP_004646.3, residues 578-598): LPKRNGKGTE[Pro588Leu]GLALPAREGG

ClinVar aggregate classification (germline): Conflicting classifications of pathogenicity. Review status: criteria provided, conflicting classifications (1 of 4 stars). 4 submissions from 4 submitters: Uncertain significance (3); Likely benign (1). Last evaluated 2025-05-09.

Conditions:
Hereditary cancer-predisposing syndrome. Also called: Tumor predisposition; Hereditary neoplastic syndrome; Neoplastic Syndromes, Hereditary; Hereditary Cancer Syndrome. Identifiers: Orphanet 140162, MedGen C0027672, MeSH D009386, MONDO:0015356.
Colorectal cancer. Also called: Colorectal cancer, somatic; Malignant Colorectal Neoplasm. Identifiers: MedGen C0346629, MONDO:0005575, OMIM 114500.
Oligodontia-cancer predisposition syndrome. Also called: TOOTH AGENESIS-COLORECTAL CANCER SYNDROME. Identifiers: Orphanet 300576, MedGen C1837750, MONDO:0012075, OMIM 608615. Disease mechanism: loss of function.

Allele frequency attached by ClinVar (database versions not stated): gnomAD exomes 0.00001.
gnomAD v4.1: 3 of 1,611,094 alleles (0.00019%); highest among the groups gnomAD compares: African/African-American, 0.0013%; no homozygotes.

Submissions (4):

Ambry Genetics
Classification: Likely benign for Hereditary cancer-predisposing syndrome. Last evaluated: 2025-05-09. Review status: criteria provided, single submitter. Criteria: Ambry Variant Classification Scheme 2023. Collection method: clinical testing. Allele origin: germline.

Labcorp Genetics (formerly Invitae), Labcorp
Classification: Uncertain significance for Oligodontia-cancer predisposition syndrome. Last evaluated: 2024-11-04. Review status: criteria provided, single submitter. Criteria: Invitae Variant Classification Sherloc (09022015). Collection method: clinical testing. Allele origin: germline.
Comment: This sequence change replaces proline, which is neutral and non-polar, with leucine, which is neutral and non-polar, at codon 588 of the AXIN2 protein (p.Pro588Leu). This variant is present in population databases (no rsID available, gnomAD 0.007%). This variant has not been reported in the literature in individuals affected with AXIN2-related conditions. ClinVar contains an entry for this variant (Variation ID: 861396). Invitae Evidence Modeling of protein sequence and biophysical properties (such as structural, functional, and spatial information, amino acid conservation, physicochemical variation, residue mobility, and thermodynamic stability) indicates that this missense variant is not expected to disrupt AXIN2 protein function with a negative predictive value of 80%. In summary, the available evidence is currently insufficient to determine the role of this variant in disease. Therefore, it has been classified as a Variant of Uncertain Significance.

Fulgent Genetics
Classification: Uncertain significance for Colorectal cancer; Oligodontia-cancer predisposition syndrome. Last evaluated: 2024-04-11. Review status: criteria provided, single submitter. Criteria: ACMG Guidelines, 2015. Collection method: clinical testing. Allele origin: germline.

Baylor Genetics
Classification: Uncertain significance for Colorectal cancer. Last evaluated: 2023-05-05. Review status: criteria provided, single submitter. Criteria: ACMG Guidelines, 2015. Collection method: clinical testing. Allele origin: unknown.